The following is an entry in ClinVar:

NM_000211.5(ITGB2):c.1179G>C (p.Arg393Ser)

Gene: ITGB2 (integrin subunit beta 2; minus strand). Cytogenetic location: 21q22.3.
Variant type: single nucleotide variant.
Coding change: c.1179G>C on transcript NM_000211.5 (MANE Select); coding-DNA position 1179, G replaced by C.
Protein change: p.Arg393Ser; replaces arginine 393 with serine.
Molecular consequence: missense variant.
Genome position (GRCh38, 1-based): chr21:44,893,449, C>G on the plus strand (G>C on the coding strand, the complement: ITGB2 is on the minus strand). VCF-style: chr21-44893449-C-G. GRCh37 (hg19) VCF-style: chr21-46313364-C-G.
Other names: c.1179G>C, p.Arg393Ser (NM_001127491.3); c.972G>C, p.Arg324Ser (NM_001303238.2); short protein forms R393S, R324S.
Identifiers: ClinVar variation 1444107 (VCV001444107.3), dbSNP rs1162085262, ClinGen allele CA410485776.
Genomic context (GRCh38, chr21:44,893,449, plus strand): 5'-TGTGGCCAGGCTCACCGGGACATTGATCTGCACGCCATCACAGTCACCTCTGGGCTGGTT[C>G]CTGTGCGTCACTCCATTGCTGCAGAAGGAGTCGTAGGTGACTTTCAGGGTGTCGGGGAGG-3'
Protein context (NP_000202.3, residues 383-403): DSFCSNGVTH[Arg393Ser]NQPRGDCDGV

ClinVar aggregate classification (germline): Uncertain significance (1 of 4 stars; one submission).

Conditions:
Leukocyte adhesion deficiency 1 (LAD1). Also called: LEUKOCYTE ADHESION DEFICIENCY, TYPE I; LAD 1; Lymphocyte function-associated antigen 1 immunodeficiency; LFA 1 immunodeficiency. Identifiers: Orphanet 2968, Orphanet 99842, MedGen C0398738, MONDO:0007293, OMIM 116920.

Allele frequency attached by ClinVar (database versions not stated): TOPMed below 0.00001; gnomAD 0.00001; gnomAD exomes 0.00001.
gnomAD v4.1: 6 of 1,614,046 alleles (0.00037%); highest among the groups gnomAD compares: Non-Finnish European, 0.00051%; no homozygotes.

Submission:

Labcorp Genetics (formerly Invitae), Labcorp
Classification: Uncertain significance for Leukocyte adhesion deficiency 1. Last evaluated: 2021-07-28. Review status: criteria provided, single submitter. Criteria: Invitae Variant Classification Sherloc (09022015). Collection method: clinical testing. Allele origin: germline.
Comment: This sequence change replaces arginine with serine at codon 393 of the ITGB2 protein (p.Arg393Ser). The arginine residue is weakly conserved and there is a moderate physicochemical difference between arginine and serine. This variant is not present in population databases (ExAC no frequency). This variant has not been reported in the literature in individuals affected with ITGB2-related conditions. Algorithms developed to predict the effect of missense changes on protein structure and function (SIFT, PolyPhen-2, Align-GVGD) all suggest that this variant is likely to be tolerated. In summary, the available evidence is currently insufficient to determine the role of this variant in disease. Therefore, it has been classified as a Variant of Uncertain Significance.